The following is an entry in ClinVar:

ClinVar aggregate classification (germline): Uncertain significance. Review status: criteria provided, multiple submitters, no conflicts (2 of 4 stars). 2 submissions from 2 submitters: Uncertain significance (2). Last evaluated 2025-10-27.

Conditions:
Hereditary cancer-predisposing syndrome. Also called: Tumor predisposition; Hereditary neoplastic syndrome; Neoplastic Syndromes, Hereditary; Hereditary Cancer Syndrome. Identifiers: Orphanet 140162, MedGen C0027672, MeSH D009386, MONDO:0015356.
Multiple endocrine neoplasia, type 2 (MEN2). Identifiers: Orphanet 653, MedGen C4048306, MONDO:0019003. Disease mechanism: gain of function.

Allele frequency attached by ClinVar (database versions not stated): gnomAD 0.00001; TOPMed 0.00001.
gnomAD v4.1: 2 of 1,613,342 alleles (0.00012%); highest among the groups gnomAD compares: Non-Finnish European, 0.00017%; no homozygotes.

Submissions (2):

Labcorp Genetics (formerly Invitae), Labcorp
Classification: Uncertain significance for Multiple endocrine neoplasia, type 2. Last evaluated: 2025-10-27. Review status: criteria provided, single submitter. Criteria: Invitae Variant Classification Sherloc (09022015). Collection method: clinical testing. Allele origin: germline.
Comment: This sequence change affects codon 861 of the RET mRNA. It is a 'silent' change, meaning that it does not change the encoded amino acid sequence of the RET protein. This variant is not present in population databases (gnomAD no frequency). This variant has not been reported in the literature in individuals affected with RET-related conditions. ClinVar contains an entry for this variant (Variation ID: 1010360). Algorithms developed to predict the effect of sequence changes on RNA splicing suggest that this variant may create or strengthen a splice site. In summary, the available evidence is currently insufficient to determine the role of this variant in disease. Therefore, it has been classified as a Variant of Uncertain Significance.

Ambry Genetics
Classification: Uncertain significance for Hereditary cancer-predisposing syndrome. Last evaluated: 2022-10-26. Review status: criteria provided, single submitter. Criteria: Ambry Variant Classification Scheme 2023. Collection method: clinical testing. Allele origin: germline.
Comment: The c.2583G>T variant (also known as p.G861G), located in coding exon 14 of the RET gene, results from a G to T substitution at nucleotide position 2583. This nucleotide substitution does not change the glycine at codon 861. This nucleotide position is not well conserved in available vertebrate species. In silico splice site analysis predicts that this alteration will result in the creation or strengthening of a novel splice donor site. Since supporting evidence is limited at this time, the clinical significance of this alteration remains unclear.

NM_020975.6(RET):c.2583G>T (p.Gly861=)

Gene: RET (ret proto-oncogene; plus strand). Cytogenetic location: 10q11.21.
Variant type: single nucleotide variant.
Coding change: c.2583G>T on transcript NM_020975.6 (MANE Select); coding-DNA position 2583, G replaced by T.
Protein change: p.Gly861=; no amino-acid change (glycine 861 retained).
Molecular consequence: synonymous variant.
Genome position (GRCh38, 1-based): chr10:43,119,721, G>T. VCF-style: chr10-43119721-G-T. GRCh37 (hg19) VCF-style: chr10-43615169-G-T.
Other names: c.2583G>T, p.Gly861= (NM_000323.2, NM_001406743.1, NM_001406744.1 and 4 more transcripts); c.1821G>T, p.Gly607= (NM_001355216.2); c.2454G>T, p.Gly818= (NM_001406761.1, NM_001406762.1, NM_001406764.1); c.2448G>T, p.Gly816= (NM_001406763.1, NM_001406765.1); c.2295G>T, p.Gly765= (NM_001406766.1, NM_001406767.1, NM_001406770.1); c.2319G>T, p.Gly773= (NM_001406768.1); c.2187G>T, p.Gly729= (NM_001406769.1, NM_001406772.1); c.2145G>T, p.Gly715= (NM_001406771.1, NM_001406773.1); and 10 more.
Identifiers: ClinVar variation 1010360 (VCV001010360.12), dbSNP rs146628741, ClinGen allele CA376556729.
Genomic context (GRCh38, chr10:43,119,721, plus strand): 5'-GGATGAGCGGGCCCTCACCATGGGCGACCTCATCTCATTTGCCTGGCAGATCTCACAGGG[G>T]ATGCAGTATCTGGCCGAGATGAAGGTGCGTGCATATGGCTCTGCACCCAGCCAGCCCCGG-3'
Protein context (NP_066124.1, residues 851-871): LISFAWQISQ[Gly861=]MQYLAEMKLV